The following is an entry in ClinVar:

NM_000214.3(JAG1):c.2907G>A (p.Met969Ile)

Gene: JAG1 (jagged canonical Notch ligand 1; minus strand). Cytogenetic location: 20p12.2.
Variant type: single nucleotide variant.
Coding change: c.2907G>A on transcript NM_000214.3 (MANE Select); coding-DNA position 2907, G replaced by A.
Protein change: p.Met969Ile; replaces methionine 969 with isoleucine.
Molecular consequence: missense variant.
Genome position (GRCh38, 1-based): chr20:10,641,469, C>T on the plus strand (G>A on the coding strand, the complement: JAG1 is on the minus strand). VCF-style: chr20-10641469-C-T. GRCh37 (hg19) VCF-style: chr20-10622117-C-T.
Other names: short protein forms M969I.
Identifiers: ClinVar variation 4040691 (VCV004040691.1).

ClinVar aggregate classification (germline): Uncertain significance (1 of 4 stars; one submission).

Conditions:
Cardiovascular phenotype. Identifiers: MedGen CN230736.

gnomAD v4.1: 1 of 1,613,462 alleles (0.000062%); highest among the groups gnomAD compares: East Asian, 0.0022%; no homozygotes.

Submission:

Ambry Genetics
Classification: Uncertain significance for Cardiovascular phenotype. Last evaluated: 2025-05-02. Review status: criteria provided, single submitter. Criteria: Ambry Variant Classification Scheme 2023. Collection method: clinical testing. Allele origin: germline.
Comment: The p.M969I variant (also known as c.2907G>A), located in coding exon 23 of the JAG1 gene, results from a G to A substitution at nucleotide position 2907. The methionine at codon 969 is replaced by isoleucine, an amino acid with highly similar properties. This amino acid position is conserved. In addition, this alteration is predicted to be tolerated by in silico analysis. Based on the available evidence, the clinical significance of this variant remains unclear.